The following is an entry in ClinVar:

NM_003738.5(PTCH2):c.2174C>G (p.Ala725Gly)

Gene: PTCH2 (patched 2; minus strand). Cytogenetic location: 1p34.1.
Variant type: single nucleotide variant.
Coding change: c.2174C>G on transcript NM_003738.5 (MANE Select); coding-DNA position 2174, C replaced by G.
Protein change: p.Ala725Gly; replaces alanine 725 with glycine.
Molecular consequence: missense variant.
Genome position (GRCh38, 1-based): chr1:44,827,599, G>C on the plus strand (C>G on the coding strand, the complement: PTCH2 is on the minus strand). VCF-style: chr1-44827599-G-C. GRCh37 (hg19) VCF-style: chr1-45293271-G-C.
Other names: c.2174C>G, p.Ala725Gly (NM_001166292.2); short protein forms A725G.
Identifiers: ClinVar variation 1395736 (VCV001395736.6), dbSNP rs1243955468, ClinGen allele CA340096635.

ClinVar aggregate classification (germline): Uncertain significance (1 of 4 stars; one submission).

Conditions:
Gorlin syndrome. Also called: Nevoid Basal Cell Carcinoma Syndrome; Basal cell nevus syndrome. Identifiers: Orphanet 377, MedGen C0004779, MONDO:0007187.

Allele frequency attached by ClinVar (database versions not stated): gnomAD exomes below 0.00001.
gnomAD v4.1: 2 of 1,614,014 alleles (0.00012%); highest among the groups gnomAD compares: Middle Eastern, 0.016%; no homozygotes.

Submission:

Labcorp Genetics (formerly Invitae), Labcorp
Classification: Uncertain significance for Gorlin syndrome. Last evaluated: 2021-09-09. Review status: criteria provided, single submitter. Criteria: Invitae Variant Classification Sherloc (09022015). Collection method: clinical testing. Allele origin: germline.
Comment: This sequence change replaces alanine with glycine at codon 725 of the PTCH2 protein (p.Ala725Gly). The alanine residue is moderately conserved and there is a small physicochemical difference between alanine and glycine. This variant is not present in population databases (ExAC no frequency). This variant has not been reported in the literature in individuals affected with PTCH2-related conditions. Algorithms developed to predict the effect of missense changes on protein structure and function output the following: SIFT: "Tolerated"; PolyPhen-2: "Benign"; Align-GVGD: "Class C0". The glycine amino acid residue is found in multiple mammalian species, which suggests that this missense change does not adversely affect protein function. In summary, the available evidence is currently insufficient to determine the role of this variant in disease. Therefore, it has been classified as a Variant of Uncertain Significance.